The following is an entry in ClinVar:

NM_001220.5(CAMK2B):c.681G>C (p.Lys227Asn)

Gene: CAMK2B (calcium/calmodulin dependent protein kinase II beta; minus strand). Cytogenetic location: 7p13.
Variant type: single nucleotide variant.
Coding change: c.681G>C on transcript NM_001220.5 (MANE Select); coding-DNA position 681, G replaced by C.
Protein change: p.Lys227Asn; replaces lysine 227 with asparagine.
Molecular consequence: missense variant.
Genome position (GRCh38, 1-based): chr7:44,242,575, C>G on the plus strand (G>C on the coding strand, the complement: CAMK2B is on the minus strand). VCF-style: chr7-44242575-C-G. GRCh37 (hg19) VCF-style: chr7-44282174-C-G.
Other names: c.681G>C, p.Lys227Asn (NM_001293170.2, NM_172078.3, NM_172079.3 and 5 more transcripts); short protein forms K227N.
Identifiers: ClinVar variation 4725222 (VCV004725222.1).
Genomic context (GRCh38, chr7:44,242,575, plus strand): 5'-CACCTGGAGGAAGGGAGCTCATCAGAGAGGGGCTGGTGCACTCACGTCATAGGCACCAGC[C>G]TTGATCTGCTGGTACAGCTTGTGCTGGTCCTCGTCCCAGAAGGGTGGGTAGCCCACGAGC-3'
Protein context (NP_001211.3, residues 217-237): EDQHKLYQQI[Lys227Asn]AGAYDFPSPE

ClinVar aggregate classification (germline): Uncertain significance (1 of 4 stars; one submission).

Submission:

Labcorp Genetics (formerly Invitae), Labcorp
Classification: Uncertain significance. Last evaluated: 2025-08-11. Review status: criteria provided, single submitter. Criteria: Invitae Variant Classification Sherloc (09022015). Collection method: clinical testing. Allele origin: germline.
Comment: This sequence change replaces lysine, which is basic and polar, with asparagine, which is neutral and polar, at codon 227 of the CAMK2B protein (p.Lys227Asn). This variant is not present in population databases (gnomAD no frequency). This variant has not been reported in the literature in individuals affected with CAMK2B-related conditions. An algorithm developed to predict the effect of missense changes on protein structure and function (PolyPhen-2) suggests that this variant is likely to be disruptive. In summary, the available evidence is currently insufficient to determine the role of this variant in disease. Therefore, it has been classified as a Variant of Uncertain Significance.